The following is an entry in ClinVar:

CYP2C8*4

Gene: CYP2C8 (cytochrome P450 family 2 subfamily C member 8; minus strand). Cytogenetic location: 10q23.33.
Variant type: single nucleotide variant.
Molecular consequence: missense variant (on NM_000770.3).
Genome position: GRCh38 VCF-style: chr10-95058362-G-C. GRCh37 (hg19) VCF-style: chr10-96818119-G-C.
Other names: CYP2C8, ILE264MET (rs1058930); c.792C>G, p.Ile264Met (NM_000770.3); c.582C>G, p.Ile194Met (NM_001198853.1, NM_001198855.1); c.486C>G, p.Ile162Met (NM_001198854.1); short protein forms I264M, I162M, I194M.
Identifiers: ClinVar variation 545585 (VCV000545585.4), dbSNP rs1058930, ClinGen allele CA5617661.

ClinVar aggregate classification (germline): Benign. Review status: criteria provided, single submitter (1 of 4 stars). 3 submissions from 3 submitters: Benign (1). 2 of the submissions do not count toward it.

Conditions:
CYP2C8-related disorder. Also called: CYP2C8-related condition.
CYP2C8 POLYMORPHISM.

Allele frequency attached by ClinVar (database versions not stated): 1000 Genomes Project 0.01657; 1000 Genomes Project 30x 0.01780; TOPMed 0.03324; ESP Exome Variant Server 0.04060.
gnomAD v4.1: 73,082 of 1,613,150 alleles (4.5%); highest among the groups gnomAD compares: Non-Finnish European, 5.3%; 1,876 homozygotes.

Submissions (3):

Breakthrough Genomics
Classification: Benign. Review status: criteria provided, single submitter. Criteria: ACMG Guidelines, 2015. Collection method: not provided. Allele origin: germline. Inheritance: Unknown mechanism. Affected: yes.

PreventionGenetics, part of Exact Sciences
Classification: Benign for CYP2C8-related condition. Last evaluated: 2020-02-07. Review status: no assertion criteria provided. Collection method: clinical testing. Allele origin: germline. Not counted in ClinVar's aggregate classification.
Comment: This variant is classified as benign based on ACMG/AMP sequence variant interpretation guidelines (Richards et al. 2015 PMID: 25741868, with internal and published modifications).

OMIM
Classification: Benign for CYP2C8 POLYMORPHISM. Last evaluated: 2018-06-20. Review status: no assertion criteria provided. Collection method: literature only. Allele origin: germline. Not counted in ClinVar's aggregate classification.

Literature cited by the submitters: PubMed 26721703 (cited by OMIM); PubMed 28378927 (cited by OMIM).